The following is an entry in ClinVar:

ClinVar aggregate classification (germline): Uncertain significance. Review status: criteria provided, multiple submitters, no conflicts (2 of 4 stars). 2 submissions from 2 submitters: Uncertain significance (2). Last evaluated 2022-07-05.

Conditions:
Autosomal dominant polycystic kidney disease. Identifiers: Orphanet 730, MedGen C0085413, MONDO:0004691.
Polycystic kidney disease 2 (PKD2). Also called: Polycystic Kidney Disease 2, Autosomal Dominant; POLYCYSTIC KIDNEY DISEASE, ADULT, TYPE II; POLYCYSTIC KIDNEY DISEASE 2 WITH OR WITHOUT POLYCYSTIC LIVER DISEASE. Identifiers: MedGen C2751306, MONDO:0013131, OMIM 613095.

Submissions (2):

Labcorp Genetics (formerly Invitae), Labcorp
Classification: Uncertain significance for Autosomal dominant polycystic kidney disease. Last evaluated: 2022-07-05. Review status: criteria provided, single submitter. Criteria: Invitae Variant Classification Sherloc (09022015). Collection method: clinical testing. Allele origin: germline.
Comment: Algorithms developed to predict the effect of missense changes on protein structure and function (SIFT, PolyPhen-2, Align-GVGD) all suggest that this variant is likely to be tolerated. Variants that disrupt the consensus splice site are a relatively common cause of aberrant splicing (PMID: 17576681, 9536098). Algorithms developed to predict the effect of sequence changes on RNA splicing suggest that this variant may disrupt the consensus splice site. In summary, the available evidence is currently insufficient to determine the role of this variant in disease. Therefore, it has been classified as a Variant of Uncertain Significance. ClinVar contains an entry for this variant (Variation ID: 838483). This sequence change replaces glycine, which is neutral and non-polar, with serine, which is neutral and polar, at codon 199 of the PKD2 protein (p.Gly199Ser). This variant also falls at the last nucleotide of exon 1, which is part of the consensus splice site for this exon. This variant is not present in population databases (gnomAD no frequency). This variant has not been reported in the literature in individuals affected with PKD2-related conditions.

Fulgent Genetics
Classification: Uncertain significance for Polycystic kidney disease 2. Last evaluated: 2021-08-27. Review status: criteria provided, single submitter. Criteria: ACMG Guidelines, 2015. Collection method: clinical testing. Allele origin: unknown.

Literature cited by the submitters: PubMed 17576681 (cited by Labcorp Genetics (formerly Invitae), Labcorp); PubMed 9536098 (cited by Labcorp Genetics (formerly Invitae), Labcorp).

NM_000297.4(PKD2):c.595G>A (p.Gly199Ser)

Gene: PKD2 (polycystin 2, transient receptor potential cation channel; plus strand). Cytogenetic location: 4q22.1.
Variant type: single nucleotide variant.
Coding change: c.595G>A on transcript NM_000297.4 (MANE Select); coding-DNA position 595, G replaced by A.
Protein change: p.Gly199Ser; replaces glycine 199 with serine.
Molecular consequence: missense variant. On other transcripts: non-coding transcript variant (1).
Genome position (GRCh38, 1-based): chr4:88,008,328, G>A. VCF-style: chr4-88008328-G-A. GRCh37 (hg19) VCF-style: chr4-88929480-G-A.
Other names: short protein forms G199S.
Identifiers: ClinVar variation 838483 (VCV000838483.11), dbSNP rs1726264964, ClinGen allele CA357627245.
Genomic context (GRCh38, chr4:88,008,328, plus strand): 5'-CCCCTGGAAGGGCAGCCGCCCCGAGTGGCCTGGGCGGAGAGGCTGGTTCGCGGGCTGCGA[G>A]GTAAGAGCGCGCGACCCGCAGCGGCAGATGCACGAACCAGAACGGCCGGCGCCGGCCGGG-3'
Protein context (NP_000288.1, residues 189-209): WAERLVRGLR[Gly199Ser]LWGTRLMEES